The following is an entry in ClinVar:

NM_015570.4(AUTS2):c.50G>T (p.Arg17Leu)

Gene: AUTS2 (activator of transcription and developmental regulator AUTS2; plus strand). Cytogenetic location: 7q11.22.
Variant type: single nucleotide variant.
Coding change: c.50G>T on transcript NM_015570.4 (MANE Select); coding-DNA position 50, G replaced by T.
Protein change: p.Arg17Leu; replaces arginine 17 with leucine.
Molecular consequence: missense variant.
Genome position (GRCh38, 1-based): chr7:69,599,703, G>T. VCF-style: chr7-69599703-G-T. GRCh37 (hg19) VCF-style: chr7-69064689-G-T.
Other names: c.50G>T, p.Arg17Leu (NM_001127231.3, NM_001127232.3); short protein forms R17L.
Identifiers: ClinVar variation 3383482 (VCV003383482.2).

ClinVar aggregate classification (germline): Uncertain significance (1 of 4 stars; one submission).

Submission:

GeneDx
Classification: Uncertain significance. Last evaluated: 2024-12-18. Review status: criteria provided, single submitter. Criteria: GeneDx Variant Classification Process June 2021. Collection method: clinical testing. Allele origin: germline. Affected: yes.
Comment: Has not been previously published as pathogenic or benign to our knowledge; In silico analysis supports that this missense variant has a deleterious effect on protein structure/function; Not observed at significant frequency in large population cohorts (gnomAD)